The following is an entry in ClinVar:

NM_000451.4(SHOX):c.517C>T (p.Arg173Cys)

Gene: SHOX (SHOX homeobox; plus strand). Cytogenetic location: Xp22.33.
Variant type: single nucleotide variant.
Coding change: c.517C>T on transcript NM_000451.4 (MANE Select); coding-DNA position 517, C replaced by T.
Protein change: p.Arg173Cys; replaces arginine 173 with cysteine.
Molecular consequence: missense variant.
Genome position (GRCh38, 1-based): chrX:640,851, C>T. VCF-style: chrX-640851-C-T. GRCh37 (hg19) VCF-style: chrX-601586-C-T.
Other names: c.517C>T, p.Arg173Cys (NM_006883.2); short protein forms R173C.
Identifiers: ClinVar variation 9878 (VCV000009878.16), dbSNP rs137852556, ClinGen allele CA254919.

ClinVar aggregate classification (germline): Pathogenic. Review status: criteria provided, multiple submitters, no conflicts (2 of 4 stars). 9 submissions from 9 submitters: Pathogenic (6). 3 of the submissions do not count toward it. Last evaluated 2026-01-01.

Conditions:
SHOX-related disorder. Also called: SHOX-related condition.
Leri-Weill dyschondrosteosis (LWD). Also called: Léri-Weill dyschondrosteosis; DYSCHONDROSTEOSIS; Leri-Weill Dyschondrosteosis (LWD). Identifiers: Orphanet 240, MedGen C0265309, MONDO:0007481, OMIM 127300.

Submissions (9):

CeGaT Center for Human Genetics Tuebingen
Classification: Pathogenic. Last evaluated: 2026-01-01. Review status: criteria provided, single submitter. Criteria: CeGaT Center For Human Genetics Tuebingen Variant Classification Criteria Version 2. Collection method: clinical testing. Allele origin: germline. Affected: yes. Observed: 1 variant allele.
Comment: SHOX: PS2, PM2, PM5, PS4:Moderate, PP3, PS3:Supporting

Variantyx, Inc.
Classification: Pathogenic for Leri-Weill dyschondrosteosis. Last evaluated: 2025-11-13. Review status: criteria provided, single submitter. Criteria: Variantyx Assertion Criteria 2022. Collection method: clinical testing. Allele origin: germline. Inheritance: Autosomal recessive inheritance.
Comment: This is a nonsynonymous variant in the SHOX gene (OMIM: 312865). Pathogenic variants in this gene have been associated with Leri-Weill dyschondrosteosis. This variant likely occurred de novo in individuals reported in the published literature; however, the possibility of parental germline mosaicism cannot be excluded (PMID: 36307859) (PS2_Supporting). This variant has been reported in at least two unrelated affected individuals (PMID: 11403039, 27959697) (PS4_Moderate). An alternate amino acid change at this position (p.p.Arg173His) has been previously reported in similarly affected individuals, which suggests that this residue is biologically important (PMID:15356038) (PM5). Functional studies have shown that this variant alters SHOX protein function (PMID: 15931687, 15173321) (PS3), and multiple computational algorithms predict a deleterious effect for this variant (REVEL score: 0.692) (PP3). This variant has a 0.0003% maximum allele frequency in non-founder control populations (PM2). Based on the current evidence, this variant is classified as pathogenic for Leri-Weill dyschondrosteosis.

ARUP Laboratories, Molecular Genetics and Genomics, ARUP Laboratories
Classification: Pathogenic. Last evaluated: 2024-09-10. Review status: criteria provided, single submitter. Criteria: ARUP Molecular Germline Variant Investigation Process 2024. Collection method: clinical testing. Allele origin: germline.
Comment: The SHOX c.517C>T; p.Arg173Cys variant (rs137852556, ClinVar Variation ID: 9878) is reported in the literature in a consanguineous family in heterozygous individuals with Leri-Weill dyschondrosteosis and homozygous individuals with Langer mesomelic dysplasia (Shears 2002) and was found to segregate with disease in a second family with dyschondrosteosis (Huber 2001). In addition, this variant is reported in exome studies in individuals who have a SHOX-related phenotype (Fu 2022, Meng 2017). This variant is absent from the Genome Aggregation Database (v2.1.1), indicating it is not a common polymorphism. Functional analyses of the variant protein show this variant impairs nuclear localization and DNA binding ability (Sabherwal 2004, Schneider 2005). Computational analyses are uncertain whether this variant is neutral or deleterious (REVEL: 0.692). Based on available information, this variant is considered to be pathogenic. References: Fu F et al. Application of exome sequencing for prenatal diagnosis of fetal structural anomalies: clinical experience and lessons learned from a cohort of 1618 fetuses. Genome Med. 2022 Oct 28;14(1):123. PMID: 36307859. Huber C et al. SHOX point mutations in dyschondrosteosis. J Med Genet. 2001 May;38(5):323. PMID: 11403039. Meng L et al. Use of Exome Sequencing for Infants in Intensive Care Units: Ascertainment of Severe Single-Gene Disorders and Effect on Medical Management. JAMA Pediatr. 2017 Dec 4;171(12):e173438. PMID: 28973083. Sabherwal N et al. Impairment of SHOX nuclear localization as a cause for LÃ©ri-Weill syndrome. J Cell Sci. 2004 Jun 15;117(Pt 14):3041-8. PMID: 15173321. Schneider KU et al. Alteration of DNA binding, dimerization, and nuclear translocation of SHOX homeodomain mutations identified in idiopathic short stature and Leri-Weill dyschondrosteosis. Hum Mutat. 2005 Jul;26(1):44-52. PMID: 15931687. Shears DJ et al. Pseudodominant inheritance of Langer mesomelic dysplasia caused by a SHOX homeobox missense mutation. Am J Med Genet. 2002 Jun 15;110(2):153-7. PMID: 12116253.

GeneDx
Classification: Pathogenic. Last evaluated: 2023-08-22. Review status: criteria provided, single submitter. Criteria: GeneDx Variant Classification Process June 2021. Collection method: clinical testing. Allele origin: germline. Affected: yes.
Comment: Published functional studies demonstrate a damaging effect (reduced dimerization ability) (PMID: 15931687); Not observed at significant frequency in large population cohorts (gnomAD); This variant is associated with the following publications: (PMID: 19309509, 27959697, 24421874, 20148114, 11403039, 21262861, 12116253, 15173321, 28973083, 36307859, 15931687)

Women's Health and Genetics/Laboratory Corporation of America, LabCorp
Classification: Pathogenic for Leri-Weill dyschondrosteosis. Last evaluated: 2023-01-07. Review status: criteria provided, single submitter. Criteria: LabCorp Variant Classification Summary - May 2015. Collection method: clinical testing. Allele origin: germline.
Comment: Variant summary: SHOX c.517C>T (p.Arg173Cys) results in a non-conservative amino acid change located in the Homeobox domain (IPR001356) of the encoded protein sequence. Four of five in-silico tools predict a damaging effect of the variant on protein function. The variant was absent in 251182 control chromosomes. c.517C>T has been reported in the literature in a consanguineous family demonstrating a pseudodominant inheritance pattern with multiple individuals affected with Langer Mesomelic Dysplasia (homozygous genotype) or Leri-Weill Dyschondrosteosis (hemizygous or heterozygous genotype) and as a de-novo variant in settings of exome sequencing performed in infants with a dual molecular diagnosis of Leri-Weill Dyschondrosteosis and autosomal recessive Congenital disorder of glycosylation, type Ic (example, Meng_2017). These data indicate that the variant is very likely to be associated with disease. At least one publication reports experimental evidence evaluating an impact on protein function reporting impaired nuclear localization, impaired DNA binding ability and roughly 50% decrease in homodimerization ability (Schneider_2005). Two clinical diagnostic laboratories have submitted clinical-significance assessments for this variant to ClinVar after 2014 without evidence for independent evaluation. All laboratories classified the variant as pathogenic. Based on the evidence outlined above, the variant was classified as pathogenic.

Eurofins Ntd Llc (ga)
Classification: Pathogenic. Last evaluated: 2015-07-29. Review status: criteria provided, single submitter. Criteria: EGL Classification Definitions 2015. Collection method: clinical testing. Allele origin: germline. Observed: 1 variant allele, 1 heterozygote.

PreventionGenetics, part of Exact Sciences
Classification: Pathogenic for SHOX-related condition. Last evaluated: 2024-06-04. Review status: no assertion criteria provided. Collection method: clinical testing. Allele origin: germline. Not counted in ClinVar's aggregate classification.
Comment: The SHOX c.517C>T variant is predicted to result in the amino acid substitution p.Arg173Cys. This variant in the heterozygous condition was reported to be pathogenic for Leri-Weill Dyschondrosteosis (see Family 8, Huber et al. 2001. PubMed ID: 11403039). In the compound heterozygous condition, this variant was reported to be pathogenic for Langer mesomelic dysplasia (Kant et al. 2011. PubMed ID: 21068148). This variant was also reported as a de novo variant in one patient with dual diagnosis who also had two compound heterozygous ALG6 variants (see eTable 4, Meng et al. 2017. PubMed ID: 28973083). Functional studies suggest that the p.Arg173Cys variant led to disrupted protein nuclear localization (Sabherwal et al. 2004. PubMed ID: 15173321). In summary, we consider this variant pathogenic.

Baylor Genetics
Classification: Pathogenic for Leri-Weill dyschondrosteosis. Last evaluated: 2016-05-01. Review status: no assertion criteria provided. Collection method: clinical testing. Allele origin: de novo. Inheritance: X-linked inheritance. Affected: yes. Not counted in ClinVar's aggregate classification.

OMIM
Classification: Pathogenic for LERI-WEILL DYSCHONDROSTEOSIS. Last evaluated: 2002-06-15. Review status: no assertion criteria provided. Collection method: literature only. Allele origin: germline. Not counted in ClinVar's aggregate classification.

Literature cited by the submitters: PubMed 15931687 (cited by Variantyx, Inc. and Women's Health and Genetics/Laboratory Corporation of America, LabCorp); PubMed 15173321 (cited by Variantyx, Inc.); PubMed 11403039 (cited by Variantyx, Inc. and OMIM); PubMed 27959697 (cited by Variantyx, Inc.); PubMed 36307859 (cited by Variantyx, Inc.); PubMed 12116253 (cited by Women's Health and Genetics/Laboratory Corporation of America, LabCorp and OMIM); PubMed 28973083 (cited by Women's Health and Genetics/Laboratory Corporation of America, LabCorp).